The following is an entry in ClinVar:

ClinVar aggregate classification (germline): Uncertain significance (1 of 4 stars; one submission).

Submission:

Labcorp Genetics (formerly Invitae), Labcorp
Classification: Uncertain significance. Last evaluated: 2021-11-17. Review status: criteria provided, single submitter. Criteria: Invitae Variant Classification Sherloc (09022015). Collection method: clinical testing. Allele origin: germline.
Comment: Experimental studies and prediction algorithms are not available or were not evaluated, and the functional significance of this variant is currently unknown. This variant has not been reported in the literature in individuals affected with UNC80-related conditions. This variant is not present in population databases (gnomAD no frequency). This variant, c.2093_2095del, results in the deletion of 1 amino acid(s) of the UNC80 protein (p.Lys698del), but otherwise preserves the integrity of the reading frame. In summary, the available evidence is currently insufficient to determine the role of this variant in disease. Therefore, it has been classified as a Variant of Uncertain Significance.

NM_001371986.1(UNC80):c.2090AGA[1] (p.Lys698del)

Gene: UNC80 (unc-80 subunit of NALCN channel complex; plus strand). Cytogenetic location: 2q34.
Variant type: Microsatellite.
Coding change: c.2090AGA[1] on transcript NM_001371986.1 (MANE Select); one copy of the 3-base unit AGA starting at c.2090; the reference has two copies in a row; one copy, 3 bases deleted.
Protein change: p.Lys698del; deletes lysine 698.
Molecular consequence: inframe deletion.
Genome position (GRCh38, 1-based): chr2:209,820,441-209,820,443, AGA deleted; deleting any 3 consecutive bases within chr2:209,820,437-209,820,443 gives the same sequence; the position shown is the placement nearest the transcript's 3' end. VCF-style (leftmost placement, unchanged base first): chr2-209820436-AAAG-A. GRCh37 (hg19) VCF-style: chr2-210685160-AAAG-A.
Other names: c.2090AGA[1], p.Lys698del (NM_032504.2, NM_182587.4); short protein forms K698del.
Identifiers: ClinVar variation 1446370 (VCV001446370.6), dbSNP rs2153827815, ClinGen allele CA2580616663.